The following is an entry in ClinVar:

NM_002291.3(LAMB1):c.2410A>G (p.Asn804Asp)

Gene: LAMB1 (laminin subunit beta 1; minus strand). Cytogenetic location: 7q31.1.
Variant type: single nucleotide variant.
Coding change: c.2410A>G on transcript NM_002291.3 (MANE Select); coding-DNA position 2410, A replaced by G.
Protein change: p.Asn804Asp; replaces asparagine 804 with aspartic acid.
Molecular consequence: missense variant.
Genome position (GRCh38, 1-based): chr7:107,959,739, T>C on the plus strand (A>G on the coding strand, the complement: LAMB1 is on the minus strand). VCF-style: chr7-107959739-T-C. GRCh37 (hg19) VCF-style: chr7-107600184-T-C.
Other names: short protein forms N804D.
Identifiers: ClinVar variation 3623423 (VCV003623423.2).

ClinVar aggregate classification (germline): Uncertain significance (1 of 4 stars; one submission).

gnomAD v4.1: 3 of 1,614,080 alleles (0.00019%); highest among the groups gnomAD compares: Non-Finnish European, 0.00025%; no homozygotes.

Submission:

Labcorp Genetics (formerly Invitae), Labcorp
Classification: Uncertain significance. Last evaluated: 2024-05-13. Review status: criteria provided, single submitter. Criteria: Invitae Variant Classification Sherloc (09022015). Collection method: clinical testing. Allele origin: germline.
Comment: This sequence change replaces asparagine, which is neutral and polar, with aspartic acid, which is acidic and polar, at codon 804 of the LAMB1 protein (p.Asn804Asp). This variant is present in population databases (no rsID available, gnomAD 0.007%). This variant has not been reported in the literature in individuals affected with LAMB1-related conditions. Algorithms developed to predict the effect of missense changes on protein structure and function output the following: SIFT: "Not Available"; PolyPhen-2: "Benign"; Align-GVGD: "Not Available". The aspartic acid amino acid residue is found in multiple mammalian species, which suggests that this missense change does not adversely affect protein function. In summary, the available evidence is currently insufficient to determine the role of this variant in disease. Therefore, it has been classified as a Variant of Uncertain Significance.